The following is an entry in ClinVar:

NM_000238.4(KCNH2):c.1259A>G (p.Tyr420Cys)

Gene: KCNH2 (potassium voltage-gated channel subfamily H member 2; minus strand). Cytogenetic location: 7q36.1.
Variant type: single nucleotide variant.
Coding change: c.1259A>G on transcript NM_000238.4 (MANE Select); coding-DNA position 1259, A replaced by G.
Protein change: p.Tyr420Cys; replaces tyrosine 420 with cysteine.
Molecular consequence: missense variant.
Genome position (GRCh38, 1-based): chr7:150,952,723, T>C on the plus strand (A>G on the coding strand, the complement: KCNH2 is on the minus strand). VCF-style: chr7-150952723-T-C. GRCh37 (hg19) VCF-style: chr7-150649811-T-C.
Other names: c.1259A>G (LRG_288t1); c.239A>G, p.Tyr80Cys (NM_001204798.2, NM_172057.3); c.971A>G, p.Tyr324Cys (NM_001406753.1, NM_001406756.1); c.1082A>G, p.Tyr361Cys (NM_001406755.1); c.959A>G, p.Tyr320Cys (NM_001406757.1); c.1259A>G, p.Tyr420Cys (NM_172056.3); short protein forms Y420C, Y80C, Y324C, Y361C, Y320C.
Identifiers: ClinVar variation 67171 (VCV000067171.7), dbSNP rs199473507, ClinGen allele CA004323.

ClinVar aggregate classification (germline): Uncertain significance. Review status: criteria provided, single submitter (1 of 4 stars). 2 submissions from 2 submitters: Uncertain significance (1). 1 of the submissions does not count toward it. Last evaluated 2022-12-23.

Conditions:
Familial long QT syndrome (RWS). Also called: Congenital long QT syndrome; Romano-Ward syndrome; VENTRICULAR FIBRILLATION WITH PROLONGED QT INTERVAL. Identifiers: Orphanet 768, MedGen C1141890, MONDO:0019171.
Long QT syndrome (LQTS). Identifiers: MedGen C0023976, MeSH D008133, MONDO:0002442. Disease mechanism: loss of function. Inheritance: Various modes of inheritance.

Submissions (2):

Labcorp Genetics (formerly Invitae), Labcorp
Classification: Uncertain significance for Long QT syndrome. Last evaluated: 2022-12-23. Review status: criteria provided, single submitter. Criteria: Invitae Variant Classification Sherloc (09022015). Collection method: clinical testing. Allele origin: germline.
Comment: In summary, the available evidence is currently insufficient to determine the role of this variant in disease. Therefore, it has been classified as a Variant of Uncertain Significance. Algorithms developed to predict the effect of missense changes on protein structure and function (SIFT, PolyPhen-2, Align-GVGD) all suggest that this variant is likely to be disruptive. ClinVar contains an entry for this variant (Variation ID: 67171). This missense change has been observed in individual(s) with long QT syndrome (PMID: 15840476, 22949429). This variant is not present in population databases (gnomAD no frequency). This sequence change replaces tyrosine, which is neutral and polar, with cysteine, which is neutral and slightly polar, at codon 420 of the KCNH2 protein (p.Tyr420Cys).

Cardiovascular Biomedical Research Unit, Royal Brompton & Harefield NHS Foundation Trust
No classification provided. Condition: Familial long QT syndrome. Review status: no classification provided. Collection method: literature only. Allele origin: germline. Not counted in ClinVar's aggregate classification.
Comment: This variant has been reported as associated with Long QT syndrome in the following publications (PMID:15840476;PMID:19841300). This is a literature report, and does not necessarily reflect the clinical interpretation of the Imperial College / Royal Brompton Cardiovascular Genetics laboratory.

Literature cited by the submitters: PubMed 15840476 (cited by Labcorp Genetics (formerly Invitae), Labcorp and Cardiovascular Biomedical Research Unit, Royal Brompton & Harefield NHS Foundation Trust); PubMed 22949429 (cited by Labcorp Genetics (formerly Invitae), Labcorp); PubMed 19841300 (cited by Cardiovascular Biomedical Research Unit, Royal Brompton & Harefield NHS Foundation Trust); PubMed 22581653 (cited by Cardiovascular Biomedical Research Unit, Royal Brompton & Harefield NHS Foundation Trust).